The following is an entry in ClinVar:

NM_007294.4(BRCA1):c.3991C>T (p.Gln1331Ter)

Genes: BRCA1 (BRCA1 DNA repair associated; minus strand), LOC126862571 (BRD4-independent group 4 enhancer GRCh37_chr17:41243136-41244335; plus strand). Cytogenetic location: 17q21.31.
Variant type: single nucleotide variant.
Coding change: c.3991C>T on transcript NM_007294.4 (MANE Select); coding-DNA position 3991, C replaced by T.
Protein change: p.Gln1331Ter; replaces glutamine 1331 with a stop codon.
Molecular consequence: nonsense. On other transcripts: intron variant (135).
Genome position (GRCh38, 1-based): chr17:43,091,540, G>A on the plus strand (C>T on the coding strand, the complement: BRCA1 is on the minus strand). VCF-style: chr17-43091540-G-A. GRCh37 (hg19) VCF-style: chr17-41243557-G-A.
Other names: 4110C>T; c.3847C>T, p.Gln1283Ter (NM_001407848.1, NM_001407849.1, NM_001407943.1 and 20 more transcripts); c.3850C>T, p.Gln1284Ter (NM_001407850.1, NM_001407851.1, NM_001407852.1 and 29 more transcripts); c.3778C>T, p.Gln1260Ter (NM_001407853.1, NM_001407894.1, NM_001407895.1 and 9 more transcripts); c.3991C>T, p.Gln1331Ter (NM_001407854.1, NM_001407858.1, NM_001407859.1 and 30 more transcripts); c.3988C>T, p.Gln1330Ter (NM_001407860.1, NM_001407861.1, NM_001407587.1 and 22 more transcripts); c.3790C>T, p.Gln1264Ter (NM_001407862.1); c.3868C>T, p.Gln1290Ter (NM_001407863.1, NM_001407919.1, NM_001407937.1 and 19 more transcripts); and 42 more; short protein forms Q1331*, Q1284*, Q1263*, Q1264*, Q1290*, Q1328*, Q463*, Q1035*.
Identifiers: ClinVar variation 37558 (VCV000037558.13), dbSNP rs397507224, ClinGen allele CA002556.
Genomic context (GRCh38, chr17:43,091,540, plus strand): 5'-AGCCCGTTCCTCTTTCTTCATCATCTGAAACCAATTCCTTGTCACTCAGACCAACTCCCT[G>A]GCTTTCAGACTGATGCCTCATTTGTTTGGAAGAACCAATCAAGAAAGGATCCTGGGTGTT-3'

ClinVar aggregate classification (germline): Pathogenic. Review status: reviewed by expert panel (3 of 4 stars). 5 submissions from 5 submitters: Pathogenic (1). 4 of the submissions do not count toward it. Last evaluated 2016-09-08.

Conditions:
Hereditary cancer-predisposing syndrome. Also called: Tumor predisposition; Neoplastic Syndromes, Hereditary; Hereditary Cancer Syndrome; Hereditary neoplastic syndrome. Identifiers: Orphanet 140162, MedGen C0027672, MeSH D009386, MONDO:0015356.
Hereditary breast ovarian cancer syndrome. Also called: Hereditary breast and ovarian cancer syndrome (HBOC); Hereditary breast and ovarian cancer syndrome; Hereditary breast and ovarian cancer; Hereditary breast and/or ovarian cancer syndrome; Breast and ovarian cancer; BRCA1- and BRCA2-Associated Hereditary Breast and Ovarian Cancer. Identifiers: Orphanet 145, MedGen C0677776, MeSH D061325, MONDO:0003582. Disease mechanism: loss of function.
Breast-ovarian cancer, familial, susceptibility to, 1 (BROVCA1). Also called: OVARIAN CANCER, SUSCEPTIBILITY TO; BRCA1 Hereditary Breast and Ovarian Cancer. Identifiers: Orphanet 145, MedGen C2676676, MONDO:0011450, OMIM 604370. Disease mechanism: loss of function.

Submissions (5):

Evidence-based Network for the Interpretation of Germline Mutant Alleles (ENIGMA)
Classification: Pathogenic for Breast-ovarian cancer, familial, susceptibility to, 1. Last evaluated: 2016-09-08. Review status: reviewed by expert panel. Criteria: ENIGMA BRCA1/2 Classification Criteria (2015). Collection method: curation. Allele origin: germline.
Comment: Variant allele predicted to encode a truncated non-functional protein.

Labcorp Genetics (formerly Invitae), Labcorp
Classification: Pathogenic for Hereditary breast ovarian cancer syndrome. Last evaluated: 2022-02-04. Review status: criteria provided, single submitter. Criteria: Invitae Variant Classification Sherloc (09022015). Collection method: clinical testing. Allele origin: germline. Not counted in ClinVar's aggregate classification.
Comment: For these reasons, this variant has been classified as Pathogenic. ClinVar contains an entry for this variant (Variation ID: 37558). This premature translational stop signal has been observed in individual(s) with breast cancer and/or ovarian cancer (PMID: 22798144, 29446198). This variant is not present in population databases (gnomAD no frequency). This sequence change creates a premature translational stop signal (p.Gln1331*) in the BRCA1 gene. It is expected to result in an absent or disrupted protein product. Loss-of-function variants in BRCA1 are known to be pathogenic (PMID: 20104584).

Ambry Genetics
Classification: Pathogenic for Hereditary cancer-predisposing syndrome. Last evaluated: 2020-11-05. Review status: criteria provided, single submitter. Criteria: Ambry Variant Classification Scheme 2023. Collection method: clinical testing. Allele origin: germline. Not counted in ClinVar's aggregate classification.
Comment: The p.Q1331* pathogenic mutation (also known as c.3991C>T), located in coding exon 9 of the BRCA1 gene, results from a C to T substitution at nucleotide position 3991. This changes the amino acid from a glutamine to a stop codon within coding exon 9. This alteration was identified in multiple individuals with breast and/or ovarian cancer (Kim H et al. Breast Cancer Res Treat, 2012 Aug;134:1315-26; Choi MC et al. Int J Gynecol Cancer, 2018 02;28:308-315; Kwon BS et al. Cancer Res Treat, 2019 Jul;51:941-950; Ryu JM et al. Breast Cancer Res Treat, 2019 Jan;173:385-3950; Shin HC et al. Cancer Res Treat, 2020 Jul;52:697-713). This alteration was also identified in a large, worldwide study of BRCA1/2 mutation positive families (Rebbeck TR et al. Hum Mutat, 2018 05;39:593-620). In addition to the clinical data presented in the literature, this alteration is expected to result in loss of function by premature protein truncation or nonsense-mediated mRNA decay. As such, this alteration is interpreted as a disease-causing mutation.

Consortium of Investigators of Modifiers of BRCA1/2 (CIMBA), c/o University of Cambridge
Classification: Pathogenic for Breast-ovarian cancer, familial, susceptibility to, 1. Last evaluated: 2015-10-02. Review status: criteria provided, single submitter. Criteria: CIMBA Mutation Classification guidelines May 2016. Collection method: clinical testing. Allele origin: germline. Not counted in ClinVar's aggregate classification.

Sharing Clinical Reports Project (SCRP)
Classification: Pathogenic for Breast-ovarian cancer, familial 1. Last evaluated: 2011-09-20. Review status: no assertion criteria provided. Collection method: clinical testing. Allele origin: germline. Not counted in ClinVar's aggregate classification.

Literature cited by the submitters: PubMed 22798144 (cited by Labcorp Genetics (formerly Invitae), Labcorp and Ambry Genetics); PubMed 29446198 (cited by Labcorp Genetics (formerly Invitae), Labcorp and Ambry Genetics); PubMed 20104584 (cited by Labcorp Genetics (formerly Invitae), Labcorp); PubMed 29240602 (cited by Ambry Genetics); PubMed 30309222 (cited by Ambry Genetics); PubMed 30350268 (cited by Ambry Genetics); PubMed 32019277 (cited by Ambry Genetics).